The following is an entry in ClinVar:

NM_003906.5(MCM3AP):c.4385C>A (p.Pro1462His)

Genes: MCM3AP (minichromosome maintenance complex component 3 associated protein; minus strand), MCM3AP-AS1 (MCM3AP antisense RNA 1; plus strand). Cytogenetic location: 21q22.3.
Variant type: single nucleotide variant.
Coding change: c.4385C>A on transcript NM_003906.5 (MANE Select); coding-DNA position 4385, C replaced by A.
Protein change: p.Pro1462His; replaces proline 1462 with histidine.
Molecular consequence: missense variant.
Genome position (GRCh38, 1-based): chr21:46,246,792, G>T on the plus strand (C>A on the coding strand, the complement: MCM3AP is on the minus strand). VCF-style: chr21-46246792-G-T. GRCh37 (hg19) VCF-style: chr21-47666706-G-T.
Other names: c.4385C>A (NM_003906.3); short protein forms P1462H.
Identifiers: ClinVar variation 1349201 (VCV001349201.7), dbSNP rs368739095, ClinGen allele CA10076139.

ClinVar aggregate classification (germline): Uncertain significance. Review status: criteria provided, multiple submitters, no conflicts (2 of 4 stars). 2 submissions from 2 submitters: Uncertain significance (2). Last evaluated 2025-09-22.

Conditions:
Inborn genetic diseases. Identifiers: MedGen C0950123, MeSH D030342.

gnomAD v4.1: 17 of 1,614,084 alleles (0.0011%); highest among the groups gnomAD compares: African/African-American, 0.0093%; no homozygotes.

Submissions (2):

Ambry Genetics
Classification: Uncertain significance for Inborn genetic diseases. Last evaluated: 2025-09-22. Review status: criteria provided, single submitter. Criteria: Ambry Variant Classification Scheme 2023. Collection method: clinical testing. Allele origin: germline.

Labcorp Genetics (formerly Invitae), Labcorp
Classification: Uncertain significance. Last evaluated: 2021-10-31. Review status: criteria provided, single submitter. Criteria: Invitae Variant Classification Sherloc (09022015). Collection method: clinical testing. Allele origin: germline.
Comment: This variant has not been reported in the literature in individuals affected with MCM3AP-related conditions. Algorithms developed to predict the effect of missense changes on protein structure and function (SIFT, PolyPhen-2, Align-GVGD) all suggest that this variant is likely to be disruptive. In summary, the available evidence is currently insufficient to determine the role of this variant in disease. Therefore, it has been classified as a Variant of Uncertain Significance. This variant is present in population databases (rs368739095, gnomAD 0.004%). This sequence change replaces proline, which is neutral and non-polar, with histidine, which is basic and polar, at codon 1462 of the MCM3AP protein (p.Pro1462His).